The following is an entry in ClinVar:

ClinVar aggregate classification (germline): Pathogenic (1 of 4 stars; one submission).

Conditions:
Hereditary breast ovarian cancer syndrome. Also called: Hereditary breast and ovarian cancer; Hereditary breast and ovarian cancer syndrome (HBOC); Breast and ovarian cancer; Hereditary breast and/or ovarian cancer syndrome; BRCA1- and BRCA2-Associated Hereditary Breast and Ovarian Cancer; Hereditary breast and ovarian cancer syndrome. Identifiers: Orphanet 145, MedGen C0677776, MeSH D061325, MONDO:0003582. Disease mechanism: loss of function.

Submissions (2):

Labcorp Genetics (formerly Invitae), Labcorp
Classification: Pathogenic for Hereditary breast ovarian cancer syndrome. Last evaluated: 2023-01-11. Review status: criteria provided, single submitter. Criteria: Invitae Variant Classification Sherloc (09022015). Collection method: clinical testing. Allele origin: germline.
Comment: For these reasons, this variant has been classified as Pathogenic. This variant disrupts the p.Ser1841 amino acid residue in BRCA1. Other variant(s) that disrupt this residue have been determined to be pathogenic (Invitae). This suggests that this residue is clinically significant, and that variants that disrupt this residue are likely to be disease-causing. Advanced modeling performed at Invitae incorporating data from internal and/or published experimental studies (PMID: 30209399) indicates that this missense variant is expected to disrupt BRCA1 function. ClinVar contains an entry for this variant (Variation ID: 869006). This missense change has been observed in individual(s) with breast and/or ovarian cancer (PMID: 23522120). It has also been observed to segregate with disease in related individuals. This variant is not present in population databases (gnomAD no frequency). This sequence change replaces serine, which is neutral and polar, with arginine, which is basic and polar, at codon 1841 of the BRCA1 protein (p.Ser1841Arg).

Brotman Baty Institute, University of Washington
No classification provided (evidence only). Condition: Breast-ovarian cancer, familial 1. Review status: no classification provided. Collection method: in vitro. Allele origin: not applicable. Functional consequence: functionally_abnormal. Not counted in ClinVar's aggregate classification.
ClinVar note: "not provided" was previously submitted as the classification for the variant. However, the classification appeared to be based only on an observation of functional data so it was converted to no classification on 2025-07-30.

Literature cited by the submitters: PubMed 30209399 (cited by Labcorp Genetics (formerly Invitae), Labcorp); PubMed 23522120 (cited by Labcorp Genetics (formerly Invitae), Labcorp).

NM_007294.4(BRCA1):c.5523T>G (p.Ser1841Arg)

Gene: BRCA1 (BRCA1 DNA repair associated; minus strand). Cytogenetic location: 17q21.31.
Variant type: single nucleotide variant.
Coding change: c.5523T>G on transcript NM_007294.4 (MANE Select); coding-DNA position 5523, T replaced by G.
Protein change: p.Ser1841Arg; replaces serine 1841 with arginine.
Molecular consequence: missense variant. On other transcripts: 3 prime UTR variant (1), non-coding transcript variant (1).
Genome position (GRCh38, 1-based): chr17:43,045,747, A>C on the plus strand (T>G on the coding strand, the complement: BRCA1 is on the minus strand). VCF-style: chr17-43045747-A-C. GRCh37 (hg19) VCF-style: chr17-41197764-A-C.
Other names: c.5397T>G, p.Ser1799Arg (NM_001407670.1, NM_001407671.1, NM_001407672.1 and 8 more transcripts); c.5394T>G, p.Ser1798Arg (NM_001407685.1, NM_001407686.1, NM_001407687.1 and 6 more transcripts); c.5391T>G, p.Ser1797Arg (NM_001407690.1, NM_001407691.1); c.5382T>G, p.Ser1794Arg (NM_001407692.1, NM_001407694.1, NM_001407695.1 and 12 more transcripts); c.5259T>G, p.Ser1753Arg (NM_001407923.1, NM_001407924.1, NM_001407925.1 and 4 more transcripts); c.5256T>G, p.Ser1752Arg (NM_001407927.1, NM_001407928.1, NM_001407929.1 and 4 more transcripts); c.2091T>G, p.Ser697Arg (NM_001408427.1, NM_001408428.1, NM_001408429.1 and 4 more transcripts); c.2088T>G, p.Ser696Arg (NM_001408432.1, NM_001408433.1, NM_001408434.1 and 10 more transcripts); and 74 more; short protein forms S1862R, S737R, S1794R, S1841R, S1672R, S1728R, S1753R, S1757R.
Identifiers: ClinVar variation 869006 (VCV000869006.6), dbSNP rs878854960, ClinGen allele CA10590272.